The following is an entry in ClinVar:

NM_006767.4(LZTR1):c.833C>T (p.Pro278Leu)

Gene: LZTR1 (leucine zipper like post translational regulator 1; plus strand). Cytogenetic location: 22q11.21.
Variant type: single nucleotide variant.
Coding change: c.833C>T on transcript NM_006767.4 (MANE Select); coding-DNA position 833, C replaced by T.
Protein change: p.Pro278Leu; replaces proline 278 with leucine.
Molecular consequence: missense variant.
Genome position (GRCh38, 1-based): chr22:20,991,669, C>T. VCF-style: chr22-20991669-C-T. GRCh37 (hg19) VCF-style: chr22-21345958-C-T.
Other names: short protein forms P278L.
Identifiers: ClinVar variation 3253065 (VCV003253065.4), dbSNP rs2518617019.
Genomic context (GRCh38, chr22:20,991,669, plus strand): 5'-CACTGTTGTGTACCCCCAGGTGGACACGCATCCCAACTGAACACCTGCTCCGGGGCTCCC[C>T]ACCACCCCCGCAGCGGCGCTACGGGCATACCATGGTGGCCTTTGACCGCCACCTCTATGT-3'
Protein context (NP_006758.2, residues 268-288): IPTEHLLRGS[Pro278Leu]PPPQRRYGHT

ClinVar aggregate classification (germline): Uncertain significance. Review status: criteria provided, multiple submitters, no conflicts (2 of 4 stars). 4 submissions from 4 submitters: Uncertain significance (4). Last evaluated 2026-01-02.

Conditions:
Hereditary cancer-predisposing syndrome. Also called: Neoplastic Syndromes, Hereditary; Hereditary neoplastic syndrome; Tumor predisposition; Hereditary Cancer Syndrome. Identifiers: Orphanet 140162, MedGen C0027672, MeSH D009386, MONDO:0015356.
Cardiovascular phenotype. Identifiers: MedGen CN230736.

Submissions (4):

Labcorp Genetics (formerly Invitae), Labcorp
Classification: Uncertain significance. Last evaluated: 2026-01-02. Review status: criteria provided, single submitter. Criteria: Invitae Variant Classification Sherloc (09022015). Collection method: clinical testing. Allele origin: germline.
Comment: This sequence change replaces proline, which is neutral and non-polar, with leucine, which is neutral and non-polar, at codon 278 of the LZTR1 protein (p.Pro278Leu). This variant is not present in population databases (gnomAD no frequency). This variant has not been reported in the literature in individuals affected with LZTR1-related conditions. ClinVar contains an entry for this variant (Variation ID: 3253065). Invitae Evidence Modeling of protein sequence and biophysical properties (such as structural, functional, and spatial information, amino acid conservation, physicochemical variation, residue mobility, and thermodynamic stability) indicates that this missense variant is not expected to disrupt LZTR1 protein function with a negative predictive value of 80%. In summary, the available evidence is currently insufficient to determine the role of this variant in disease. Therefore, it has been classified as a Variant of Uncertain Significance.

Ambry Genetics
Classification: Uncertain significance for Cardiovascular phenotype; Hereditary cancer-predisposing syndrome. Last evaluated: 2025-03-05. Review status: criteria provided, single submitter. Criteria: Ambry Variant Classification Scheme 2023. Collection method: clinical testing. Allele origin: germline.
Comment: The p.P278L variant (also known as c.833C>T), located in coding exon 9 of the LZTR1 gene, results from a C to T substitution at nucleotide position 833. The proline at codon 278 is replaced by leucine, an amino acid with similar properties. This amino acid position is conserved. In addition, the in silico prediction for this alteration is inconclusive. Based on the available evidence, the clinical significance of this variant remains unclear.

GeneDx
Classification: Uncertain significance. Last evaluated: 2023-10-05. Review status: criteria provided, single submitter. Criteria: GeneDx Variant Classification Process June 2021. Collection method: clinical testing. Allele origin: germline. Affected: yes.
Comment: Not observed at significant frequency in large population cohorts (gnomAD); In silico analysis supports that this missense variant has a deleterious effect on protein structure/function; Has not been previously published as pathogenic or benign to our knowledge

Blueprint Genetics
Classification: Uncertain significance. Last evaluated: 2023-07-12. Review status: criteria provided, single submitter. Criteria: ACMG Guidelines, 2015. Collection method: clinical testing. Allele origin: germline.